The following is an entry in ClinVar:

NM_004380.3(CREBBP):c.3828C>T (p.Asp1276=)

Gene: CREBBP (CREB binding lysine acetyltransferase; minus strand). Cytogenetic location: 16p13.3.
Variant type: single nucleotide variant.
Coding change: c.3828C>T on transcript NM_004380.3 (MANE Select); coding-DNA position 3828, C replaced by T.
Protein change: p.Asp1276=; no amino-acid change (aspartic acid 1276 retained).
Molecular consequence: synonymous variant.
Genome position (GRCh38, 1-based): chr16:3,749,635, G>A on the plus strand (C>T on the coding strand, the complement: CREBBP is on the minus strand). VCF-style: chr16-3749635-G-A. GRCh37 (hg19) VCF-style: chr16-3799636-G-A.
Other names: c.3828C>T (NM_004380.2); c.3714C>T, p.Asp1238= (NM_001079846.1).
Identifiers: ClinVar variation 1298651 (VCV001298651.40), dbSNP rs745617177, ClinGen allele CA7869734.

ClinVar aggregate classification (germline): Likely benign. Review status: criteria provided, multiple submitters, no conflicts (2 of 4 stars). 3 submissions from 3 submitters: Likely benign (3). Last evaluated 2024-12-02.

Conditions:
Rubinstein-Taybi syndrome (RSTS). Identifiers: Orphanet 783, MedGen C0035934, MONDO:0019188.
CREBBP-related disorder. Also called: CREBBP-related condition; CREBBP-related disorders.

Allele frequency attached by ClinVar (database versions not stated): TOPMed below 0.00001; ExAC 0.00001; gnomAD exomes 0.00001 and 0.00002.
gnomAD v4.1: 23 of 1,604,654 alleles (0.0014%); highest among the groups gnomAD compares: Admixed American, 0.0033%; no homozygotes.

Submissions (3):

PreventionGenetics, part of Exact Sciences
Classification: Likely benign for CREBBP-related condition. Last evaluated: 2024-12-02. Review status: criteria provided, single submitter. Criteria: ACMG Guidelines, 2015. Collection method: clinical testing. Allele origin: germline.
Comment: This variant is classified as likely benign based on ACMG/AMP sequence variant interpretation guidelines (Richards et al. 2015 PMID: 25741868, with internal and published modifications).

Labcorp Genetics (formerly Invitae), Labcorp
Classification: Likely benign for Rubinstein-Taybi syndrome. Last evaluated: 2024-09-27. Review status: criteria provided, single submitter. Criteria: Invitae Variant Classification Sherloc (09022015). Collection method: clinical testing. Allele origin: germline.

CeGaT Center for Human Genetics Tuebingen
Classification: Likely benign. Last evaluated: 2021-09-01. Review status: criteria provided, single submitter. Criteria: CeGaT Center For Human Genetics Tuebingen Variant Classification Criteria Version 2. Collection method: clinical testing. Allele origin: germline. Affected: yes. Observed: 1 variant allele.